The following is an entry in ClinVar:

ClinVar aggregate classification (germline): Uncertain significance (1 of 4 stars; one submission).

Allele frequency attached by ClinVar (database versions not stated): TOPMed below 0.00001; gnomAD 0.00001; gnomAD exomes 0.00001; ExAC 0.00002.

Submission:

Labcorp Genetics (formerly Invitae), Labcorp
Classification: Uncertain significance. Last evaluated: 2022-07-08. Review status: criteria provided, single submitter. Criteria: Invitae Variant Classification Sherloc (09022015). Collection method: clinical testing. Allele origin: germline.
Comment: In summary, the available evidence is currently insufficient to determine the role of this variant in disease. Therefore, it has been classified as a Variant of Uncertain Significance. Algorithms developed to predict the effect of missense changes on protein structure and function output the following: SIFT: "Tolerated"; PolyPhen-2: "Benign"; Align-GVGD: "Class C0". The threonine amino acid residue is found in multiple mammalian species, which suggests that this missense change does not adversely affect protein function. This variant has not been reported in the literature in individuals affected with GATA5-related conditions. This variant is present in population databases (rs782499500, gnomAD 0.02%). This sequence change replaces alanine, which is neutral and non-polar, with threonine, which is neutral and polar, at codon 334 of the GATA5 protein (p.Ala334Thr).

NM_080473.5(GATA5):c.1000G>A (p.Ala334Thr)

Gene: GATA5 (GATA binding protein 5; minus strand). Cytogenetic location: 20q13.33.
Variant type: single nucleotide variant.
Coding change: c.1000G>A on transcript NM_080473.5 (MANE Select); coding-DNA position 1000, G replaced by A.
Protein change: p.Ala334Thr; replaces alanine 334 with threonine.
Molecular consequence: missense variant.
Genome position (GRCh38, 1-based): chr20:62,465,378, C>T on the plus strand (G>A on the coding strand, the complement: GATA5 is on the minus strand). VCF-style: chr20-62465378-C-T. GRCh37 (hg19) VCF-style: chr20-61040434-C-T.
Other names: short protein forms A334T.
Identifiers: ClinVar variation 1938162 (VCV001938162.5), dbSNP rs782499500, ClinGen allele CA9946095.